The following is an entry in ClinVar:

ClinVar aggregate classification (germline): Uncertain significance (1 of 4 stars; one submission).

Conditions:
Charcot-Marie-Tooth disease type 4. Also called: Charcot-Marie-Tooth disease, type IV; Charcot-Marie-Tooth, Type 4. Identifiers: Orphanet 64749, MedGen C4082197, MONDO:0018995.

Allele frequency attached by ClinVar (database versions not stated): gnomAD exomes 0.00001.
gnomAD v4.1: 18 of 1,560,614 alleles (0.0012%); highest among the groups gnomAD compares: Non-Finnish European, 0.0015%; no homozygotes.

Submission:

Labcorp Genetics (formerly Invitae), Labcorp
Classification: Uncertain significance for Charcot-Marie-Tooth disease type 4. Last evaluated: 2022-03-06. Review status: criteria provided, single submitter. Criteria: Invitae Variant Classification Sherloc (09022015). Collection method: clinical testing. Allele origin: germline.
Comment: This sequence change replaces serine, which is neutral and polar, with asparagine, which is neutral and polar, at codon 384 of the NDRG1 protein (p.Ser384Asn). This variant is not present in population databases (gnomAD no frequency). This variant has not been reported in the literature in individuals affected with NDRG1-related conditions. Algorithms developed to predict the effect of missense changes on protein structure and function (SIFT, PolyPhen-2, Align-GVGD) all suggest that this variant is likely to be tolerated. In summary, the available evidence is currently insufficient to determine the role of this variant in disease. Therefore, it has been classified as a Variant of Uncertain Significance.

NM_006096.4(NDRG1):c.1151G>A (p.Ser384Asn)

Gene: NDRG1 (N-myc downstream regulated 1; minus strand). Cytogenetic location: 8q24.22.
Variant type: single nucleotide variant.
Coding change: c.1151G>A on transcript NM_006096.4 (MANE Select); coding-DNA position 1151, G replaced by A.
Protein change: p.Ser384Asn; replaces serine 384 with asparagine.
Molecular consequence: missense variant.
Genome position (GRCh38, 1-based): chr8:133,238,912, C>T on the plus strand (G>A on the coding strand, the complement: NDRG1 is on the minus strand). VCF-style: chr8-133238912-C-T. GRCh37 (hg19) VCF-style: chr8-134251155-C-T.
Other names: c.1151G>A, p.Ser384Asn (NM_001135242.2, NM_001374845.1, NM_001374846.1); c.953G>A, p.Ser318Asn (NM_001258432.2, NM_001374847.1); c.908G>A, p.Ser303Asn (NM_001258433.2); c.1202G>A, p.Ser401Asn (NM_001374844.1); short protein forms S401N, S303N, S318N, S384N.
Identifiers: ClinVar variation 1984357 (VCV001984357.1), dbSNP rs2130655184, ClinGen allele CA372254243.